The following is an entry in ClinVar:

NM_002303.6(LEPR):c.1603+5G>C

Gene: LEPR (leptin receptor; plus strand). Cytogenetic location: 1p31.3.
Variant type: single nucleotide variant.
Coding change: c.1603+5G>C on transcript NM_002303.6 (MANE Select); 5 bases into the intron after coding-DNA position 1603, G replaced by C.
Molecular consequence: intron variant.
Genome position (GRCh38, 1-based): chr1:65,605,242, G>C. VCF-style: chr1-65605242-G-C. GRCh37 (hg19) VCF-style: chr1-66070925-G-C.
Other names: c.1603+5G>C (NM_001003679.3, NM_001003680.3, NM_001198689.2 and 2 more transcripts).
Identifiers: ClinVar variation 2202766 (VCV002202766.4), dbSNP rs2526730775, ClinGen allele CA2580063175.
Genomic context (GRCh38, chr1:65,605,242, plus strand): 5'-TCACTCTCTAGGTTCACTTGACTCTCCACCAACATGTGTCCTTCCTGATTCTGTGGGTAT[G>C]TCAAGCTGCGTTGTGTCTTCATTTGTGTTAGCAGATTTGTATGCAGATTGATGCAGATTT-3'

ClinVar aggregate classification (germline): Uncertain significance (1 of 4 stars; one submission).

Submission:

Labcorp Genetics (formerly Invitae), Labcorp
Classification: Uncertain significance. Last evaluated: 2023-01-12. Review status: criteria provided, single submitter. Criteria: Invitae Variant Classification Sherloc (09022015). Collection method: clinical testing. Allele origin: germline.
Comment: Variants that disrupt the consensus splice site are a relatively common cause of aberrant splicing (PMID: 17576681, 9536098). Studies have shown that this variant results in skipping of exon 11 and introduces a premature termination codon (PMID: 23949901). The resulting mRNA is expected to undergo nonsense-mediated decay. In summary, the available evidence is currently insufficient to determine the role of this variant in disease. Therefore, it has been classified as a Variant of Uncertain Significance. This variant has been observed in individual(s) with obesity (PMID: 23949901). This sequence change falls in intron 11 of the LEPR gene. It does not directly change the encoded amino acid sequence of the LEPR protein. RNA analysis indicates that this variant induces altered splicing and may result in an absent or disrupted protein product. This variant is not present in population databases (gnomAD no frequency).

Literature cited by the submitters: PubMed 17576681; PubMed 9536098; PubMed 23949901.